The following is an entry in ClinVar:

NM_003400.4(XPO1):c.2077A>G (p.Lys693Glu)

Gene: XPO1 (exportin 1; minus strand). Cytogenetic location: 2p15.
Variant type: single nucleotide variant.
Coding change: c.2077A>G on transcript NM_003400.4 (MANE Select); coding-DNA position 2077, A replaced by G.
Protein change: p.Lys693Glu; replaces lysine 693 with glutamic acid.
Molecular consequence: missense variant.
Genome position (GRCh38, 1-based): chr2:61,488,717, T>C on the plus strand (A>G on the coding strand, the complement: XPO1 is on the minus strand). VCF-style: chr2-61488717-T-C. GRCh37 (hg19) VCF-style: chr2-61715852-T-C.
Other names: c.1942A>G, p.Lys648Glu (NM_001410799.1); short protein forms K648E, K693E.
Identifiers: ClinVar variation 4819176 (VCV004819176.2).
Genomic context (GRCh38, chr2:61,488,717, plus strand): 5'-TTCTTCCAAGCTGAATTACAAAGGGGTGTCCAACAGCTTTGCAGGCTCTCACATTTGTTT[T>C]CAAAATGCTACCAAGCTGCTTGACTGTTTCAGGATCTTTCAGTATATCCACATTCTTGGA-3'
Protein context (NP_003391.1, residues 683-703): ETVKQLGSIL[Lys693Glu]TNVRACKAVG

ClinVar aggregate classification (germline): Likely pathogenic (1 of 4 stars; one submission).

Conditions:
XPO1-associated Neurodevelopmental Disorder.

Submission:

Institute of Human Genetics, University of Leipzig Medical Center
Classification: Likely pathogenic for XPO1-associated neurodevelopmental disorder. Last evaluated: 2026-02-23. Review status: criteria provided, single submitter. Criteria: ACMG Guidelines, 2015. Collection method: clinical testing. Allele origin: de novo. Inheritance: Autosomal dominant inheritance. Affected: yes.
Comment: Criteria applied: PM2,PP2,PP3,PS2_MOD

Literature cited by the submitters: PubMed 40819229.